The following is an entry in ClinVar:

ClinVar aggregate classification (germline): Likely pathogenic (1 of 4 stars; one submission).

Conditions:
Mucopolysaccharidosis, MPS-IV-A (MPS4A). Also called: Morquio syndrome A, mild; MORQUIO SYNDROME A; GALACTOSAMINE-6-SULFATASE DEFICIENCY; GALNS DEFICIENCY; MORQUIO A DISEASE; mucopolysaccharidosis type 4A. Identifiers: Orphanet 309297, Orphanet 582, MedGen C0086651, MONDO:0009659, OMIM 253000.

Allele frequency attached by ClinVar (database versions not stated): gnomAD exomes below 0.00001.
gnomAD v4.1: 1 of 1,614,082 alleles (0.000062%); highest among the groups gnomAD compares: Non-Finnish European, 0.000085%; no homozygotes.

Submission:

Labcorp Genetics (formerly Invitae), Labcorp
Classification: Likely pathogenic for Mucopolysaccharidosis, MPS-IV-A. Last evaluated: 2023-06-30. Review status: criteria provided, single submitter. Criteria: Invitae Variant Classification Sherloc (09022015). Collection method: clinical testing. Allele origin: germline.
Comment: In summary, the currently available evidence indicates that the variant is pathogenic, but additional data are needed to prove that conclusively. Therefore, this variant has been classified as Likely Pathogenic. This variant disrupts the p.Leu214 amino acid residue in GALNS. Other variant(s) that disrupt this residue have been determined to be pathogenic (PMID: 24726177; Invitae). This suggests that this residue is clinically significant, and that variants that disrupt this residue are likely to be disease-causing. Advanced modeling of protein sequence and biophysical properties (such as structural, functional, and spatial information, amino acid conservation, physicochemical variation, residue mobility, and thermodynamic stability) performed at Invitae indicates that this missense variant is expected to disrupt GALNS protein function. This variant has not been reported in the literature in individuals affected with GALNS-related conditions. This variant is not present in population databases (gnomAD no frequency). This sequence change replaces leucine, which is neutral and non-polar, with arginine, which is basic and polar, at codon 214 of the GALNS protein (p.Leu214Arg).

Literature cited by the submitters: PubMed 24726177.

NM_000512.5(GALNS):c.641T>G (p.Leu214Arg)

Gene: GALNS (galactosamine (N-acetyl)-6-sulfatase; minus strand). Cytogenetic location: 16q24.3.
Variant type: single nucleotide variant.
Coding change: c.641T>G on transcript NM_000512.5 (MANE Select); coding-DNA position 641, T replaced by G.
Protein change: p.Leu214Arg; replaces leucine 214 with arginine.
Molecular consequence: missense variant.
Genome position (GRCh38, 1-based): chr16:88,835,842, A>C on the plus strand (T>G on the coding strand, the complement: GALNS is on the minus strand). VCF-style: chr16-88835842-A-C. GRCh37 (hg19) VCF-style: chr16-88902250-A-C.
Other names: c.86T>G, p.Leu29Arg (NM_001323543.2); c.659T>G, p.Leu220Arg (NM_001323544.2); short protein forms L220R, L214R, L29R.
Identifiers: ClinVar variation 2734345 (VCV002734345.3), dbSNP rs771810111, ClinGen allele CA397080790.
Genomic context (GRCh38, chr16:88,835,842, plus strand): 5'-GCGTCGACAGCCCAGTAGAGGAAAAAGGGGTGGTGCCGTGCCTGTCTCTTAATGAAGTCC[A>C]GGGCTTCCTATGGAGAGAGCCACACCGTCGTCCTCCAGCCTCAGGCCGACCTCCTCATGC-3'
Protein context (NP_000503.1, residues 204-224): NLTQIYLQEA[Leu214Arg]DFIKRQARHH